The following is an entry in ClinVar:

ClinVar aggregate classification (germline): Uncertain significance (1 of 4 stars; one submission).

Conditions:
Arrhythmogenic cardiomyopathy with wooly hair and keratoderma. Also called: Carvajal syndrome; PALMOPLANTAR KERATODERMA WITH LEFT VENTRICULAR CARDIOMYOPATHY AND WOOLLY HAIR; Dilated cardiomyopathy with woolly hair and keratoderma; Arrhythmogenic cardiomyopathy with woolly hair and keratoderma. Identifiers: Orphanet 65282, MedGen C1854063, MONDO:0011581, OMIM 605676.

Submission:

All of Us Research Program, National Institutes of Health
Classification: Uncertain significance for Arrhythmogenic cardiomyopathy with wooly hair and keratoderma. Last evaluated: 2023-02-24. Review status: criteria provided, single submitter. Criteria: ACMG Guidelines, 2015. Collection method: clinical testing. Allele origin: germline. Inheritance: Autosomal dominant inheritance. Observed: 1 variant allele, 1 heterozygote.
Comment: This variant is located in the DSP protein. To our knowledge, functional studies have not been reported for this variant. This variant has not been reported in individuals affected with DSP-related disorders in the literature. This variant has not been identified in the general population by the Genome Aggregation Database (gnomAD). The available evidence is insufficient to determine the role of this variant in disease conclusively. Therefore, this variant is classified as a Variant of Uncertain Significance.

This study involves interpretation of variants in research participants for the purpose of population health screening. Participant phenotype was not available at the time of variant classification. Additional details can be found in publication PMID: 35346344, PMCID: PMC8962531

NM_004415.4(DSP):c.7902A>C (p.Thr2634=)

Gene: DSP (desmoplakin; plus strand). Cytogenetic location: 6p24.3.
Variant type: single nucleotide variant.
Coding change: c.7902A>C on transcript NM_004415.4 (MANE Select); coding-DNA position 7902, A replaced by C.
Protein change: p.Thr2634=; no amino-acid change (threonine 2634 retained).
Molecular consequence: synonymous variant.
Genome position (GRCh38, 1-based): chr6:7,585,164, A>C. VCF-style: chr6-7585164-A-C. GRCh37 (hg19) VCF-style: chr6-7585397-A-C.
Other names: c.6105A>C, p.Thr2035= (NM_001008844.3); c.6573A>C, p.Thr2191= (NM_001319034.2).
Identifiers: ClinVar variation 3069492 (VCV003069492.1), dbSNP rs745523152, ClinGen allele CA448716896.